The following is an entry in ClinVar:

NM_001114753.3(ENG):c.1613C>A (p.Thr538Lys)

Genes: ENG (endoglin; minus strand), LOC102723566 (uncharacterized LOC102723566; plus strand). Cytogenetic location: 9q34.11.
Variant type: single nucleotide variant.
Coding change: c.1613C>A on transcript NM_001114753.3 (MANE Select); coding-DNA position 1613, C replaced by A.
Protein change: p.Thr538Lys; replaces threonine 538 with lysine.
Molecular consequence: missense variant.
Genome position (GRCh38, 1-based): chr9:127,818,193, G>T on the plus strand (C>A on the coding strand, the complement: ENG is on the minus strand). VCF-style: chr9-127818193-G-T. GRCh37 (hg19) VCF-style: chr9-130580472-G-T.
Other names: c.1613C>A, p.Thr538Lys (NM_000118.4); c.1067C>A, p.Thr356Lys (NM_001278138.2); short protein forms T356K, T538K.
Identifiers: ClinVar variation 4870485 (VCV004870485.1).

ClinVar aggregate classification (germline): Uncertain significance (1 of 4 stars; one submission).

Conditions:
Cardiovascular phenotype. Identifiers: MedGen CN230736.

Submission:

Ambry Genetics
Classification: Uncertain significance for Cardiovascular phenotype. Last evaluated: 2026-06-09. Review status: criteria provided, single submitter. Criteria: Ambry Variant Classification Scheme 2023. Collection method: clinical testing. Allele origin: germline.
Comment: The p.T538K variant (also known as c.1613C>A), located in coding exon 12 of the ENG gene, results from a C to A substitution at nucleotide position 1613. The threonine at codon 538 is replaced by lysine, an amino acid with similar properties. This amino acid position is conserved. In addition, this alteration is predicted to be tolerated by in silico analysis. Based on the available evidence, the clinical significance of this variant remains unclear.